The following is an entry in ClinVar:

ClinVar aggregate classification (germline): Uncertain significance (1 of 4 stars; one submission).

Conditions:
Hereditary pancreatitis (PCTT). Also called: PRSS1-Related Hereditary Pancreatitis; Hereditary chronic pancreatitis. Identifiers: Orphanet 676, MedGen C0238339, MONDO:0008185, OMIM 167800.

Submission:

Ambry Genetics
Classification: Uncertain significance for Hereditary pancreatitis. Last evaluated: 2023-07-13. Review status: criteria provided, single submitter. Criteria: Ambry Variant Classification Scheme 2023. Collection method: clinical testing. Allele origin: germline.
Comment: The p.Y369H variant (also known as c.1105T>C), located in coding exon 10 of the CPA1 gene, results from a T to C substitution at nucleotide position 1105. The tyrosine at codon 369 is replaced by histidine, an amino acid with similar properties. This amino acid position is conserved. In addition, this alteration is predicted to be deleterious by in silico analysis. Since supporting evidence is limited at this time, the clinical significance of this alteration remains unclear.

NM_001868.4(CPA1):c.1105T>C (p.Tyr369His)

Gene: CPA1 (carboxypeptidase A1; plus strand). Cytogenetic location: 7q32.2.
Variant type: single nucleotide variant.
Coding change: c.1105T>C on transcript NM_001868.4 (MANE Select); coding-DNA position 1105, T replaced by C.
Protein change: p.Tyr369His; replaces tyrosine 369 with histidine.
Molecular consequence: missense variant.
Genome position (GRCh38, 1-based): chr7:130,387,856, T>C. VCF-style: chr7-130387856-T-C. GRCh37 (hg19) VCF-style: chr7-130027697-T-C.
Other names: short protein forms Y369H.
Identifiers: ClinVar variation 2625441 (VCV002625441.2), dbSNP rs2536015242, ClinGen allele CA369284243.